The following is an entry in ClinVar:

ClinVar aggregate classification (germline): Uncertain significance (1 of 4 stars; one submission).

Conditions:
Multiple mitochondrial dysfunctions syndrome 4 (MMDS4). Also called: ISCA2-Related Mitochondrial Disorder. Identifiers: Orphanet 457406, MedGen C4225348, MONDO:0014611, OMIM 616370.

Submission:

Neuberg Centre For Genomic Medicine, NCGM
Classification: Uncertain significance for Multiple mitochondrial dysfunctions syndrome 4. Review status: criteria provided, single submitter. Criteria: ACMG Guidelines, 2015. Collection method: clinical testing. Allele origin: germline. Inheritance: Autosomal recessive inheritance. Affected: yes.
Comment: The missense c.221T>C p.Val74Ala variant in the ISCA2 gene has not been reported previously as a pathogenic variant nor as a benign variant, to our knowledge. The variant is novel not in any individuals in gnomAD Exomes and 1000 Genomes. The amino acid Valine at position 74 is changed to a Alanine changing protein sequence and it might alter its composition and physico-chemical properties.The variant is predicted as damaging by SIFT. The amino acid change p.Val74Ala in ISCA2 is predicted as conserved by GERP++ and PhyloP across 100 vertebrates. For these reasons, this variant has been classified as Uncertain Significance.

NM_194279.4(ISCA2):c.221T>C (p.Val74Ala)

Gene: ISCA2 (iron-sulfur cluster assembly 2; plus strand). Cytogenetic location: 14q24.3.
Variant type: single nucleotide variant.
Coding change: c.221T>C on transcript NM_194279.4 (MANE Select); coding-DNA position 221, T replaced by C.
Protein change: p.Val74Ala; replaces valine 74 with alanine.
Molecular consequence: missense variant. On other transcripts: intron variant (1).
Genome position (GRCh38, 1-based): chr14:74,494,321, T>C. VCF-style: chr14-74494321-T-C. GRCh37 (hg19) VCF-style: chr14-74961024-T-C.
Other names: c.174+169T>C (NM_001272007.2); short protein forms V74A.
Identifiers: ClinVar variation 3234879 (VCV003234879.1), dbSNP rs2506119435, ClinGen allele CA390378582.